The following continues an entry in ClinVar:

NM_000465.4(BARD1):c.26_40del (p.4_8NRQPR[1])

Gene: BARD1. ClinVar aggregate classification (germline): Conflicting classifications of pathogenicity. Uncertain significance (16); Likely benign (1).

Submissions 12 to 17 of 17:

Quest Diagnostics Nichols Institute San Juan Capistrano
Classification: Uncertain significance. Last evaluated: 2023-08-28. Review status: criteria provided, single submitter. Criteria: Quest Diagnostics criteria. Collection method: clinical testing. Allele origin: unknown.
Comment: In the published literature, this variant has been reported in affected individuals with hereditary breast and/or ovarian cancer (PMID: 31159747 (2019)), colorectal cancer and/or Lynch Syndrome (PMID:25980754 (2015)), biliary tract cancer (PMID: 36243179 (2022)), and pediatric cancer (PMID:26580448 (2015)). The frequency of this variant in the general population, 0.00011 (3/27484 chromosomes (Genome Aggregation Database)), is uninformative in the assessment of its pathogenicity. Based on the available information, we are unable to determine the clinical significance of this variant.

Clinical Genetics Laboratory, Skane University Hospital Lund
Classification: Uncertain significance. Last evaluated: 2022-07-11. Review status: criteria provided, single submitter. Criteria: ACMG Guidelines, 2015. Collection method: clinical testing. Allele origin: germline. Affected: yes.

Department of Pathology and Laboratory Medicine, Sinai Health System
Classification: Uncertain significance for BARD1-related cancer predisposition. Last evaluated: 2022-06-23. Review status: criteria provided, single submitter. Criteria: ACMG Guidelines, 2015. Collection method: clinical testing. Allele origin: germline. Affected: no.

MGZ Medical Genetics Center
Classification: Uncertain significance for Familial cancer of breast. Last evaluated: 2021-12-23. Review status: criteria provided, single submitter. Criteria: ACMG Guidelines, 2015. Collection method: clinical testing. Allele origin: germline. Affected: yes. Observed: 1 variant allele.
Comment: ACMG criteria applied: PM4, PS4_SUP, PM2_SUP

Genetic Services Laboratory, University of Chicago
Classification: Uncertain significance. Last evaluated: 2021-10-08. Review status: criteria provided, single submitter. Criteria: ACMG Guidelines, 2015. Collection method: clinical testing. Allele origin: germline. Affected: no.
Comment: DNA sequence analysis of the BARD1 gene demonstrated a 15 base pair deletion in exon 1, c.26_40del. This in-frame deletion is predicted to result in the deletion of five amino acid residues, p.Asn9_Arg13del. This deletion has been previously described in an individual with a personal or family history of breast and/or ovarian cancer (PMID: 311597470). This sequence change has been described in the gnomAD database with a frequency of 0.011% in the South Asian subpopulation (dbSNP rs587781979). The functional significance of this sequence change is not known at present and its contribution to this individual's disease phenotype cannot definitively be determined.

GeneKor MSA
Classification: Uncertain significance for Hereditary cancer-predisposing syndrome. Last evaluated: 2018-08-01. Review status: criteria provided, single submitter. Criteria: ACMG Guidelines, 2015. Collection method: clinical testing. Allele origin: germline.

Literature cited by the submitters: PubMed 25980754 (cited by 5 submitters); PubMed 26580448 (cited by 4 submitters); PubMed 31159747 (cited by 5 submitters); PubMed 36243179 (cited by Women's Health and Genetics/Laboratory Corporation of America, LabCorp and Quest Diagnostics Nichols Institute San Juan Capistrano); PubMed 40209283 (cited by Women's Health and Genetics/Laboratory Corporation of America, LabCorp); PubMed 25085752 (cited by Myriad Genetics, Inc.).